The following is an entry in ClinVar:

NM_000051.4(ATM):c.7753A>T (p.Lys2585Ter)

Genes: ATM (ATM serine/threonine kinase; plus strand), C11orf65 (chromosome 11 open reading frame 65; minus strand). Cytogenetic location: 11q22.3.
Variant type: single nucleotide variant.
Coding change: c.7753A>T on transcript NM_000051.4 (MANE Select); coding-DNA position 7753, A replaced by T.
Protein change: p.Lys2585Ter; replaces lysine 2585 with a stop codon.
Molecular consequence: nonsense. On other transcripts: intron variant (2).
Genome position (GRCh38, 1-based): chr11:108,332,002, A>T. VCF-style: chr11-108332002-A-T. GRCh37 (hg19) VCF-style: chr11-108202729-A-T.
Other names: c.7753A>T, p.Lys2585Ter (NM_001351834.2); c.641-22931T>A (NM_001330368.2); c.*38+3218T>A (NM_001351110.2); short protein forms K2585*.
Identifiers: ClinVar variation 1070398 (VCV001070398.9), dbSNP rs2086308918, ClinGen allele CA382561150.

ClinVar aggregate classification (germline): Pathogenic/Likely pathogenic. Review status: criteria provided, multiple submitters, no conflicts (2 of 4 stars). 4 submissions from 4 submitters: Pathogenic (3); Likely pathogenic (1). Last evaluated 2024-01-31.

Conditions:
Hereditary cancer-predisposing syndrome. Also called: Neoplastic Syndromes, Hereditary; Tumor predisposition; Hereditary Cancer Syndrome; Hereditary neoplastic syndrome. Identifiers: Orphanet 140162, MedGen C0027672, MeSH D009386, MONDO:0015356.
Ataxia-telangiectasia syndrome (AT). Also called: Ataxia telangiectasia (A-T); ATAXIA-TELANGIECTASIA, COMPLEMENTATION GROUP A; ATAXIA-TELANGIECTASIA, FRESNO VARIANT; Ataxia-telangiectasia; Ataxia-telangiectasia, complementation group E; LOUIS-BAR SYNDROME. Identifiers: Orphanet 100, MedGen C0004135, MONDO:0008840, OMIM 208900.
Familial cancer of breast. Also called: Hereditary breast cancer; hereditary breast carcinoma; BREAST CANCER, FAMILIAL. Identifiers: Orphanet 227535, MedGen C0346153, MONDO:0016419, OMIM 114480. Disease mechanism: loss of function.

Submissions (4):

Myriad Genetics, Inc.
Classification: Pathogenic for Familial cancer of breast. Last evaluated: 2024-01-31. Review status: criteria provided, single submitter. Criteria: Myriad Autosomal Dominant, Autosomal Recessive and X-Linked Classification Criteria (2023). Collection method: clinical testing. Allele origin: unknown.
Comment: This variant is considered pathogenic. This variant creates a termination codon and is predicted to result in premature protein truncation.

Color Diagnostics, LLC DBA Color Health
Classification: Pathogenic for Hereditary cancer-predisposing syndrome. Last evaluated: 2023-03-29. Review status: criteria provided, single submitter. Criteria: ACMG Guidelines, 2015. Collection method: clinical testing. Allele origin: germline.
Comment: This variant changes 1 nucleotide in exon 52 of the ATM gene, creating a premature translation stop signal. This variant is expected to result in an absent or non-functional protein product. To our knowledge, this variant has not been reported in individuals affected with ATM-related disorders in the literature. This variant has not been identified in the general population by the Genome Aggregation Database (gnomAD). Loss of ATM function is a known mechanism of disease. Based on the available evidence, this variant is classified as Pathogenic.

Baylor Genetics
Classification: Likely pathogenic for Familial cancer of breast. Last evaluated: 2022-12-08. Review status: criteria provided, single submitter. Criteria: ACMG Guidelines, 2015. Collection method: clinical testing. Allele origin: unknown.

Labcorp Genetics (formerly Invitae), Labcorp
Classification: Pathogenic for Ataxia-telangiectasia syndrome. Last evaluated: 2017-10-30. Review status: criteria provided, single submitter. Criteria: Invitae Variant Classification Sherloc (09022015). Collection method: clinical testing. Allele origin: germline.
Comment: For these reasons, this variant has been classified as Pathogenic. Loss-of-function variants in ATM are known to be pathogenic (PMID: 23807571, 25614872). This variant has not been reported in the literature in individuals with ATM-related disease. This variant is not present in population databases (ExAC no frequency). This sequence change creates a premature translational stop signal (p.Lys2585*) in the ATM gene. It is expected to result in an absent or disrupted protein product.

Literature cited by the submitters: PubMed 23807571 (cited by Labcorp Genetics (formerly Invitae), Labcorp); PubMed 25614872 (cited by Labcorp Genetics (formerly Invitae), Labcorp).